The following is an entry in ClinVar:

NM_000059.4(BRCA2):c.323dup (p.Asn108fs)

Gene: BRCA2 (BRCA2 DNA repair associated; plus strand). Cytogenetic location: 13q13.1.
Variant type: Duplication.
Coding change: c.323dup on transcript NM_000059.4 (MANE Select); coding-DNA position 323, one base duplicated (A; older notation c.323dupA).
Protein change: p.Asn108fs; shifts the reading frame from asparagine 108.
Molecular consequence: frameshift variant. On other transcripts: 5 prime UTR variant (1), non-coding transcript variant (1).
Genome position (GRCh38, 1-based): chr13:32,325,082, A duplicated; the last of 2 consecutive A bases (chr13:32,325,081-32,325,082); duplicating either gives the same sequence. VCF-style (leftmost placement, unchanged base first): chr13-32325080-G-GA. GRCh37 (hg19) VCF-style: chr13-32899217-G-GA.
Other names: c.323dup, p.Asn108fs (NM_001406719.1, NM_001406720.1, NM_001406721.1 and 1 more transcripts); c.-47dup (NM_001406722.1); c.323dupA (NM_000059.4); short protein forms N108fs.
Identifiers: ClinVar variation 4887223 (VCV004887223.1).

ClinVar aggregate classification (germline): Pathogenic (1 of 4 stars; one submission).

Conditions:
Hereditary breast ovarian cancer syndrome. Also called: Hereditary breast and ovarian cancer syndrome; Hereditary breast and ovarian cancer; Hereditary breast and ovarian cancer syndrome (HBOC); Breast and ovarian cancer; Hereditary breast and/or ovarian cancer syndrome; BRCA1- and BRCA2-Associated Hereditary Breast and Ovarian Cancer. Identifiers: Orphanet 145, MedGen C0677776, MeSH D061325, MONDO:0003582. Disease mechanism: loss of function.

Submission:

Women's Health and Genetics/Laboratory Corporation of America, LabCorp
Classification: Pathogenic for Hereditary breast ovarian cancer syndrome. Last evaluated: 2026-06-15. Review status: criteria provided, single submitter. Criteria: LabCorp Variant Classification Summary - May 2015. Collection method: clinical testing. Allele origin: germline.
Comment: Variant summary: BRCA2 c.323dupA (p.Asn108LysfsX5) results in a premature termination codon, predicted to cause a truncation of the encoded protein or absence of the protein due to nonsense mediated decay, which are commonly known mechanisms for disease. Loss-of-function variants in this gene are known to be pathogenic. The variant was absent in 250526 control chromosomes. To our knowledge, no occurrence of c.323dupA in individuals affected with BRCA2-related conditions and no experimental evidence demonstrating its impact on protein function have been reported. However, multiple upstream truncating variants have been classified as pathogenic in the ClinVar database. No submitters have cited clinical-significance assessments for this variant to ClinVar. Based on the evidence outlined above, the variant was classified as pathogenic.